The following is an entry in ClinVar:

ClinVar aggregate classification (germline): Uncertain significance (1 of 4 stars; one submission).

Submission:

CeGaT Center for Human Genetics Tuebingen
Classification: Uncertain significance. Last evaluated: 2025-01-01. Review status: criteria provided, single submitter. Criteria: CeGaT Center For Human Genetics Tuebingen Variant Classification Criteria Version 2. Collection method: clinical testing. Allele origin: germline. Affected: yes. Observed: 2 variant alleles.
Comment: FBN1: PM2, PP3

NM_000138.5(FBN1):c.6329T>C (p.Ile2110Thr)

Gene: FBN1 (fibrillin 1; minus strand). Cytogenetic location: 15q21.1.
Variant type: single nucleotide variant.
Coding change: c.6329T>C on transcript NM_000138.5 (MANE Select); coding-DNA position 6329, T replaced by C.
Protein change: p.Ile2110Thr; replaces isoleucine 2110 with threonine.
Molecular consequence: missense variant.
Genome position (GRCh38, 1-based): chr15:48,437,372, A>G on the plus strand (T>C on the coding strand, the complement: FBN1 is on the minus strand). VCF-style: chr15-48437372-A-G. GRCh37 (hg19) VCF-style: chr15-48729569-A-G.
Other names: c.6329T>C, p.Ile2110Thr (NM_001406716.1); short protein forms I2110T.
Identifiers: ClinVar variation 3772348 (VCV003772348.13).